The following is an entry in ClinVar:

ClinVar aggregate classification (germline): Uncertain significance (1 of 4 stars; one submission).

Submission:

Labcorp Genetics (formerly Invitae), Labcorp
Classification: Uncertain significance. Last evaluated: 2019-10-19. Review status: criteria provided, single submitter. Criteria: Invitae Variant Classification Sherloc (09022015). Collection method: clinical testing. Allele origin: germline.
Comment: This sequence change replaces glycine with aspartic acid at codon 2383 of the COL7A1 protein (p.Gly2383Asp). The glycine residue is highly conserved and there is a moderate physicochemical difference between glycine and aspartic acid. This variant is not present in population databases (ExAC no frequency). This variant has not been reported in the literature in individuals with COL7A1-related conditions. Algorithms developed to predict the effect of missense changes on protein structure and function (SIFT, PolyPhen-2, Align-GVGD) all suggest that this variant is likely to be disruptive, but these predictions have not been confirmed by published functional studies and their clinical significance is uncertain. In summary, the available evidence is currently insufficient to determine the role of this variant in disease. Therefore, it has been classified as a Variant of Uncertain Significance.

NM_000094.4(COL7A1):c.7148G>A (p.Gly2383Asp)

Gene: COL7A1 (collagen type VII alpha 1 chain; minus strand). Cytogenetic location: 3p21.31.
Variant type: single nucleotide variant.
Coding change: c.7148G>A on transcript NM_000094.4 (MANE Select); coding-DNA position 7148, G replaced by A.
Protein change: p.Gly2383Asp; replaces glycine 2383 with aspartic acid.
Molecular consequence: missense variant.
Genome position (GRCh38, 1-based): chr3:48,571,117, C>T on the plus strand (G>A on the coding strand, the complement: COL7A1 is on the minus strand). VCF-style: chr3-48571117-C-T. GRCh37 (hg19) VCF-style: chr3-48608550-C-T.
Other names: short protein forms G2383D.
Identifiers: ClinVar variation 2184472 (VCV002184472.1), dbSNP rs1342406671, ClinGen allele CA352650952.
Genomic context (GRCh38, chr3:48,571,117, plus strand): 5'-CCCGGCCTGCTGCCCCTACAACTGGTGATGGGGCATTGACTTACCTTCACACCTGGAGGG[C>T]CAGGAGGCCCAGGGGAGCCCGGGACCCCGACTCCTGGGTCACCCTTTGAGGAAAAGAGGC-3'
Protein context (NP_000085.1, residues 2373-2393): VGVPGSPGPP[Gly2383Asp]PPGVKGDLGL